The following is an entry in ClinVar:

ClinVar aggregate classification (germline): Uncertain significance (1 of 4 stars; one submission).

Allele frequency attached by ClinVar (database versions not stated): TOPMed below 0.00001.

Submission:

GeneDx
Classification: Uncertain significance. Last evaluated: 2019-10-10. Review status: criteria provided, single submitter. Criteria: GeneDx Variant Classification Process June 2021. Collection method: clinical testing. Allele origin: germline. Affected: yes.
Comment: Not observed in large population cohorts (Lek et al., 2016); In silico analysis, which includes protein predictors and evolutionary conservation, supports a deleterious effect; Has not been previously published as pathogenic or benign to our knowledge

NM_004736.4(XPR1):c.416A>C (p.Tyr139Ser)

Gene: XPR1 (xenotropic and polytropic retrovirus receptor 1; plus strand). Cytogenetic location: 1q25.3.
Variant type: single nucleotide variant.
Coding change: c.416A>C on transcript NM_004736.4 (MANE Select); coding-DNA position 416, A replaced by C.
Protein change: p.Tyr139Ser; replaces tyrosine 139 with serine.
Molecular consequence: missense variant. On other transcripts: non-coding transcript variant (1).
Genome position (GRCh38, 1-based): chr1:180,803,580, A>C. VCF-style: chr1-180803580-A-C. GRCh37 (hg19) VCF-style: chr1-180772716-A-C.
Other names: c.416A>C, p.Tyr139Ser (NM_001135669.2, NM_001328662.2); short protein forms Y139S.
Identifiers: ClinVar variation 1308979 (VCV001308979.2), dbSNP rs1649874512, ClinGen allele CA343843308.
Genomic context (GRCh38, chr1:180,803,580, plus strand): 5'-ATGAGGAACGTGTCCAACATAGAAATATTAAAGACCTTAAACTGGCCTTCAGTGAGTTCT[A>C]CCTCAGTCTAATCCTGCTGCAGAACTATCAGGTACTTAGATTCTTACCCTAGAAAATGGC-3'
Protein context (NP_004727.2, residues 129-149): KDLKLAFSEF[Tyr139Ser]LSLILLQNYQ